The following is an entry in ClinVar:

NM_003108.4(SOX11):c.528G>A (p.Ala176=)

Gene: SOX11 (SRY-box transcription factor 11; plus strand). Cytogenetic location: 2p25.2.
Variant type: single nucleotide variant.
Coding change: c.528G>A on transcript NM_003108.4 (MANE Select); coding-DNA position 528, G replaced by A.
Protein change: p.Ala176=; no amino-acid change (alanine 176 retained).
Molecular consequence: synonymous variant.
Genome position (GRCh38, 1-based): chr2:5,693,249, G>A. VCF-style: chr2-5693249-G-A. GRCh37 (hg19) VCF-style: chr2-5833381-G-A.
Identifiers: ClinVar variation 1901939 (VCV001901939.6), dbSNP rs1401212310, ClinGen allele CA424763286.

ClinVar aggregate classification (germline): Likely benign. Review status: criteria provided, multiple submitters, no conflicts (2 of 4 stars). 2 submissions from 2 submitters: Likely benign (2). Last evaluated 2026-08-01.

Submissions (2):

CeGaT Center for Human Genetics Tuebingen
Classification: Likely benign. Last evaluated: 2026-08-01. Review status: criteria provided, single submitter. Criteria: CeGaT Center For Human Genetics Tuebingen Variant Classification Criteria Version 2. Collection method: clinical testing. Allele origin: germline. Affected: yes. Observed: 1 variant allele.
Comment: SOX11: BP4, BP7

Labcorp Genetics (formerly Invitae), Labcorp
Classification: Likely benign. Last evaluated: 2025-05-01. Review status: criteria provided, single submitter. Criteria: Invitae Variant Classification Sherloc (09022015). Collection method: clinical testing. Allele origin: germline.